The following is an entry in ClinVar:

NM_002528.7(NTHL1):c.908G>A (p.Gly303Asp)

Gene: NTHL1 (nth like DNA glycosylase 1; minus strand). Cytogenetic location: 16p13.3.
Variant type: single nucleotide variant.
Coding change: c.908G>A on transcript NM_002528.7 (MANE Select); coding-DNA position 908, G replaced by A.
Protein change: p.Gly303Asp; replaces glycine 303 with aspartic acid.
Molecular consequence: missense variant.
Genome position (GRCh38, 1-based): chr16:2,039,931, C>T on the plus strand (G>A on the coding strand, the complement: NTHL1 is on the minus strand). VCF-style: chr16-2039931-C-T. GRCh37 (hg19) VCF-style: chr16-2089932-C-T.
Other names: c.737G>A, p.Gly246Asp (NM_001318193.2); c.578G>A, p.Gly193Asp (NM_001318194.2); short protein forms G193D, G303D, G246D.
Identifiers: ClinVar variation 1474532 (VCV001474532.4), dbSNP rs2084235801, ClinGen allele CA394286948.
Genomic context (GRCh38, chr16:2,039,931, plus strand): 5'-GCCACTTCACAGACGGTGGCCACAGCGGCACCTCGGCCAGAGCCATGCGGCCATCAGAGA[C>T]CCTGGGCGGCCGGGCAGAGGGCTTGGTTGAGGCAGGCGTGGCAGCGAGGGTGCACAGGCA-3'
Protein context (NP_002519.2, residues 293-304): LNQALCPAAQ[Gly303Asp]L

ClinVar aggregate classification (germline): Uncertain significance (1 of 4 stars; one submission).

Submission:

Labcorp Genetics (formerly Invitae), Labcorp
Classification: Uncertain significance. Last evaluated: 2023-04-24. Review status: criteria provided, single submitter. Criteria: Invitae Variant Classification Sherloc (09022015). Collection method: clinical testing. Allele origin: germline.
Comment: This sequence change replaces glycine with aspartic acid at codon 311 of the NTHL1 protein (p.Gly311Asp). The glycine residue is weakly conserved and there is a moderate physicochemical difference between glycine and aspartic acid. This variant is not present in population databases (gnomAD no frequency). This variant has not been reported in the literature in individuals affected with NTHL1-related conditions. ClinVar contains an entry for this variant (Variation ID: 1474532). Algorithms developed to predict the effect of missense changes on protein structure and function output the following: SIFT: "Not Available"; PolyPhen-2: "Benign"; Align-GVGD: "Not Available". The aspartic acid amino acid residue is found in multiple mammalian species, which suggests that this missense change does not adversely affect protein function. In summary, the available evidence is currently insufficient to determine the role of this variant in disease. Therefore, it has been classified as a Variant of Uncertain Significance.